The following is an entry in ClinVar:

ClinVar aggregate classification (germline): Uncertain significance (1 of 4 stars; one submission).

Conditions:
Primary ciliary dyskinesia 6. Also called: Primary Ciliary Dyskinesia 6: TXNDC3-Related Primary Ciliary Dyskinesia. Identifiers: Orphanet 244, MedGen C1970506, MONDO:0012571, OMIM 610852.

Allele frequency attached by ClinVar (database versions not stated): gnomAD exomes below 0.00001; ExAC 0.00002; ESP Exome Variant Server 0.00008.
gnomAD v4.1: 6 of 1,613,578 alleles (0.00037%); highest among the groups gnomAD compares: South Asian, 0.0011%; no homozygotes.

Submission:

Labcorp Genetics (formerly Invitae), Labcorp
Classification: Uncertain significance for Primary ciliary dyskinesia 6. Last evaluated: 2023-06-04. Review status: criteria provided, single submitter. Criteria: Invitae Variant Classification Sherloc (09022015). Collection method: clinical testing. Allele origin: germline.
Comment: In summary, the available evidence is currently insufficient to determine the role of this variant in disease. Therefore, it has been classified as a Variant of Uncertain Significance. Advanced modeling of protein sequence and biophysical properties (such as structural, functional, and spatial information, amino acid conservation, physicochemical variation, residue mobility, and thermodynamic stability) performed at Invitae indicates that this missense variant is not expected to disrupt NME8 protein function. This variant has not been reported in the literature in individuals affected with NME8-related conditions. This variant is present in population databases (rs372513137, gnomAD 0.0009%). This sequence change replaces aspartic acid, which is acidic and polar, with asparagine, which is neutral and polar, at codon 435 of the NME8 protein (p.Asp435Asn).

NM_016616.5(NME8):c.1303G>A (p.Asp435Asn)

Gene: NME8 (NME/NM23 family member 8; plus strand). Cytogenetic location: 7p14.1.
Variant type: single nucleotide variant.
Coding change: c.1303G>A on transcript NM_016616.5 (MANE Select); coding-DNA position 1303, G replaced by A.
Protein change: p.Asp435Asn; replaces aspartic acid 435 with asparagine.
Molecular consequence: missense variant.
Genome position (GRCh38, 1-based): chr7:37,888,332, G>A. VCF-style: chr7-37888332-G-A. GRCh37 (hg19) VCF-style: chr7-37927934-G-A.
Other names: short protein forms D435N.
Identifiers: ClinVar variation 2714979 (VCV002714979.3), dbSNP rs372513137, ClinGen allele CA4222495.